The following is an entry in ClinVar:

NM_000368.5(TSC1):c.1546C>G (p.Gln516Glu)

Gene: TSC1 (TSC complex subunit 1; minus strand). Cytogenetic location: 9q34.13.
Variant type: single nucleotide variant.
Coding change: c.1546C>G on transcript NM_000368.5 (MANE Select); coding-DNA position 1546, C replaced by G.
Protein change: p.Gln516Glu; replaces glutamine 516 with glutamic acid.
Molecular consequence: missense variant.
Genome position (GRCh38, 1-based): chr9:132,906,032, G>C on the plus strand (C>G on the coding strand, the complement: TSC1 is on the minus strand). VCF-style: chr9-132906032-G-C. GRCh37 (hg19) VCF-style: chr9-135781419-G-C.
Other names: c.1393C>G, p.Gln465Glu (NM_001406610.1, NM_001162427.2); c.1390C>G, p.Gln464Glu (NM_001406611.1, NM_001406612.1, NM_001406613.1); c.1183C>G, p.Gln395Glu (NM_001406614.1, NM_001406615.1, NM_001406616.1 and 5 more transcripts); c.1543C>G, p.Gln515Glu (NM_001162426.2, NM_001406597.1, NM_001406598.1 and 6 more transcripts); c.1546C>G, p.Gln516Glu (NM_001406592.1, NM_001406593.1, NM_001406594.1 and 7 more transcripts); c.1180C>G, p.Gln394Glu (NM_001406620.1, NM_001406621.1, NM_001406622.1 and 2 more transcripts); c.595C>G, p.Gln199Glu (NM_001406626.1); c.592C>G, p.Gln198Glu (NM_001406627.1, NM_001406628.1); and 1 more; short protein forms Q516E, Q395E, Q198E, Q465E, Q515E, Q165E, Q199E, Q394E.
Identifiers: ClinVar variation 2011295 (VCV002011295.4), dbSNP rs1588310754, ClinGen allele CA375365153.

ClinVar aggregate classification (germline): Uncertain significance (1 of 4 stars; one submission).

Conditions:
Tuberous sclerosis 1 (TSC1). Identifiers: Orphanet 805, MedGen C1854465, MONDO:0008612, OMIM 191100.

Allele frequency attached by ClinVar (database versions not stated): gnomAD exomes below 0.00001.
gnomAD v4.1: 1 of 1,614,146 alleles (0.000062%); highest among the groups gnomAD compares: Non-Finnish European, 0.000085%; no homozygotes.

Submission:

Labcorp Genetics (formerly Invitae), Labcorp
Classification: Uncertain significance for Tuberous sclerosis 1. Last evaluated: 2022-06-27. Review status: criteria provided, single submitter. Criteria: Invitae Variant Classification Sherloc (09022015). Collection method: clinical testing. Allele origin: germline.
Comment: Algorithms developed to predict the effect of missense changes on protein structure and function (SIFT, PolyPhen-2, Align-GVGD) all suggest that this variant is likely to be tolerated. In summary, the available evidence is currently insufficient to determine the role of this variant in disease. Therefore, it has been classified as a Variant of Uncertain Significance. This variant has not been reported in the literature in individuals affected with TSC1-related conditions. This variant is not present in population databases (gnomAD no frequency). This sequence change replaces glutamine, which is neutral and polar, with glutamic acid, which is acidic and polar, at codon 516 of the TSC1 protein (p.Gln516Glu).